The following is an entry in ClinVar:

NM_000168.6(GLI3):c.1497+1G>A

Gene: GLI3 (GLI family zinc finger 3; minus strand). Cytogenetic location: 7p14.1.
Variant type: single nucleotide variant.
Coding change: c.1497+1G>A on transcript NM_000168.6 (MANE Select); the canonical splice donor site of the intron after coding-DNA position 1497, G replaced by A.
Molecular consequence: splice donor variant.
Genome position (GRCh38, 1-based): chr7:42,023,467, C>T on the plus strand (G>A on the coding strand, the complement: GLI3 is on the minus strand). VCF-style: chr7-42023467-C-T. GRCh37 (hg19) VCF-style: chr7-42063066-C-T.
Identifiers: ClinVar variation 839677 (VCV000839677.50), dbSNP rs1399654830, ClinGen allele CA367323668.

ClinVar aggregate classification (germline): Pathogenic/Likely pathogenic. Review status: criteria provided, multiple submitters, no conflicts (2 of 4 stars). 5 submissions from 5 submitters: Pathogenic (2); Likely pathogenic (1). 2 of the submissions do not count toward it. Last evaluated 2024-03-18.

Conditions:
Greig cephalopolysyndactyly syndrome (GCPS). Also called: Greig syndrome; GLI3-Related Greig Cephalopolysyndactyly Syndrome; POLYSYNDACTYLY WITH PECULIAR SKULL SHAPE. Identifiers: Orphanet 380, MedGen C0265306, MONDO:0008287, OMIM 175700.
Pallister-Hall syndrome (PHS). Also called: HYPOTHALAMIC HAMARTOBLASTOMA, HYPOPITUITARISM, IMPERFORATE ANUS, AND POSTAXIAL POLYDACTYLY; GLI3-Related Pallister-Hall Syndrome. Identifiers: Orphanet 672, MedGen C0265220, MONDO:0007804, OMIM 146510.

Allele frequency attached by ClinVar (database versions not stated): gnomAD exomes below 0.00001; TOPMed below 0.00001.
gnomAD v4.1: 2 of 1,614,166 alleles (0.00012%); highest among the groups gnomAD compares: Non-Finnish European, 0.00017%; no homozygotes.

Submissions (5):

GeneDx
Classification: Likely pathogenic. Last evaluated: 2024-03-18. Review status: criteria provided, single submitter. Criteria: GeneDx Variant Classification Process June 2021. Collection method: clinical testing. Allele origin: germline. Affected: yes.
Comment: A different splice variant at this donor site (c.1497+2T>G) has been reported as pathogenic in the published literature in association with Greig cephalopolysyndactyly syndrome (PMID: 10441342); Canonical splice site variant predicted to result in an in-frame deletion of a critical region; Deletions involving coding exons in this gene are frequently reported as pathogenic, regardless of frame prediction (HGMD); Not observed at significant frequency in large population cohorts (gnomAD); This variant is associated with the following publications: (PMID: 15739154)

Labcorp Genetics (formerly Invitae), Labcorp
Classification: Pathogenic for Pallister-Hall syndrome; Greig cephalopolysyndactyly syndrome. Last evaluated: 2023-07-18. Review status: criteria provided, single submitter. Criteria: Invitae Variant Classification Sherloc (09022015). Collection method: clinical testing. Allele origin: germline.
Comment: Disruption of this splice site has been observed in individuals with Greig cephalopolysyndactyly syndrome (PMID: 10441342, 15739154). For these reasons, this variant has been classified as Pathogenic. Algorithms developed to predict the effect of sequence changes on RNA splicing suggest that this variant may disrupt the consensus splice site. ClinVar contains an entry for this variant (Variation ID: 839677). This variant is not present in population databases (gnomAD no frequency). This sequence change affects a donor splice site in intron 10 of the GLI3 gene. It is expected to disrupt RNA splicing. Variants that disrupt the donor or acceptor splice site typically lead to a loss of protein function (PMID: 16199547), and loss-of-function variants in GLI3 are known to be pathogenic (PMID: 10441570, 15739154, 18000979, 24736735).

CeGaT Center for Human Genetics Tuebingen
Classification: Pathogenic. Last evaluated: 2017-01-01. Review status: criteria provided, single submitter. Criteria: CeGaT Center For Human Genetics Tuebingen Variant Classification Criteria Version 2. Collection method: clinical testing. Allele origin: germline. Affected: yes. Observed: 1 variant allele.

Clinical Genetics DNA and cytogenetics Diagnostics Lab, Erasmus MC, Erasmus Medical Center
Classification: Pathogenic. Review status: no assertion criteria provided. Collection method: clinical testing. Allele origin: germline. Affected: yes. Study: VKGL Data-share Consensus. Not counted in ClinVar's aggregate classification.

Genome Diagnostics Laboratory, Amsterdam University Medical Center
Classification: Pathogenic. Review status: no assertion criteria provided. Collection method: clinical testing. Allele origin: germline. Affected: yes. Study: VKGL Data-share Consensus. Not counted in ClinVar's aggregate classification.

Literature cited by the submitters: PubMed 10441342 (cited by Labcorp Genetics (formerly Invitae), Labcorp); PubMed 15739154 (cited by Labcorp Genetics (formerly Invitae), Labcorp); PubMed 16199547 (cited by Labcorp Genetics (formerly Invitae), Labcorp); PubMed 10441570 (cited by Labcorp Genetics (formerly Invitae), Labcorp); PubMed 18000979 (cited by Labcorp Genetics (formerly Invitae), Labcorp); PubMed 24736735 (cited by Labcorp Genetics (formerly Invitae), Labcorp).